The following is an entry in ClinVar:

NM_016239.4(MYO15A):c.7788-10A>G

Gene: MYO15A (myosin XVA; plus strand). Cytogenetic location: 17p11.2.
Variant type: single nucleotide variant.
Coding change: c.7788-10A>G on transcript NM_016239.4 (MANE Select); 10 bases into the intron before coding-DNA position 7788, A replaced by G.
Molecular consequence: intron variant.
Genome position (GRCh38, 1-based): chr17:18,151,836, A>G. VCF-style: chr17-18151836-A-G. GRCh37 (hg19) VCF-style: chr17-18055150-A-G.
Identifiers: ClinVar variation 1198599 (VCV001198599.11), dbSNP rs369105885, ClinGen allele CA8424952.

ClinVar aggregate classification (germline): Conflicting classifications of pathogenicity. Review status: criteria provided, conflicting classifications (1 of 4 stars). 4 submissions from 4 submitters: Pathogenic (1); Likely pathogenic (2); Uncertain significance (1). Last evaluated 2025-08-09.

Conditions:
Autosomal recessive nonsyndromic hearing loss 3. Also called: NEUROSENSORY NONSYNDROMIC RECESSIVE DEAFNESS 3. Identifiers: Orphanet 90636, MedGen C1838263, MONDO:0010860, OMIM 600316.

Allele frequency attached by ClinVar (database versions not stated): gnomAD 0.00002 and 0.00003; TOPMed 0.00004; gnomAD exomes 0.00005; ExAC 0.00011; ESP Exome Variant Server 0.00016.
gnomAD v4.1: 74 of 1,568,954 alleles (0.0047%); highest among the groups gnomAD compares: Middle Eastern, 0.033%; no homozygotes.

Submissions (4):

GeneDx
Classification: Uncertain significance. Last evaluated: 2025-08-09. Review status: criteria provided, single submitter. Criteria: GeneDx Variant Classification Process June 2021. Collection method: clinical testing. Allele origin: germline. Affected: yes.
Comment: In silico analysis supports a deleterious effect on splicing; Has not been previously published as pathogenic or benign to our knowledge

Labcorp Genetics (formerly Invitae), Labcorp
Classification: Pathogenic. Last evaluated: 2025-01-15. Review status: criteria provided, single submitter. Criteria: Invitae Variant Classification Sherloc (09022015). Collection method: clinical testing. Allele origin: germline.
Comment: This sequence change falls in intron 40 of the MYO15A gene. It does not directly change the encoded amino acid sequence of the MYO15A protein. This variant is present in population databases (rs369105885, gnomAD 0.01%). This variant has been observed in individual(s) with deafness (internal data). In at least one individual the data is consistent with being in trans (on the opposite chromosome) from a pathogenic variant. It has also been observed to segregate with disease in related individuals. ClinVar contains an entry for this variant (Variation ID: 1198599). Algorithms developed to predict the effect of sequence changes on RNA splicing suggest that this variant may disrupt the consensus splice site. For these reasons, this variant has been classified as Pathogenic.

Fulgent Genetics
Classification: Likely pathogenic for Autosomal recessive nonsyndromic hearing loss 3. Last evaluated: 2024-05-29. Review status: criteria provided, single submitter. Criteria: ACMG Guidelines, 2015. Collection method: clinical testing. Allele origin: germline.

Department of Pathology and Laboratory Medicine, Sinai Health System
Classification: Likely pathogenic for Autosomal recessive nonsyndromic hearing loss 3. Last evaluated: 2023-07-31. Review status: criteria provided, single submitter. Criteria: ACMG Guidelines, 2015. Collection method: research. Allele origin: germline.